The following is an entry in ClinVar:

NM_017534.6(MYH2):c.5294T>A (p.Ile1765Asn)

Genes: MYH2 (myosin heavy chain 2; minus strand), MYHAS (myosin heavy chain gene cluster antisense RNA; plus strand). Cytogenetic location: 17p13.1.
Variant type: single nucleotide variant.
Coding change: c.5294T>A on transcript NM_017534.6 (MANE Select); coding-DNA position 5294, T replaced by A.
Protein change: p.Ile1765Asn; replaces isoleucine 1765 with asparagine.
Molecular consequence: missense variant.
Genome position (GRCh38, 1-based): chr17:10,523,766, A>T on the plus strand (T>A on the coding strand, the complement: MYH2 is on the minus strand). VCF-style: chr17-10523766-A-T. GRCh37 (hg19) VCF-style: chr17-10427083-A-T.
Other names: c.5294T>A, p.Ile1765Asn (NM_001100112.2); short protein forms I1765N.
Identifiers: ClinVar variation 321662 (VCV000321662.8), dbSNP rs139621607, ClinGen allele CA8390441.

ClinVar aggregate classification (germline): Uncertain significance. Review status: criteria provided, multiple submitters, no conflicts (2 of 4 stars). 2 submissions from 2 submitters: Uncertain significance (2). Last evaluated 2024-04-09.

Conditions:
Myopathy, proximal, and ophthalmoplegia (CMYO6). Also called: MYOPATHY WITH CONGENITAL JOINT CONTRACTURES, OPHTHALMOPLEGIA, AND RIMMED VACUOLES; INCLUSION BODY MYOPATHY 3, AUTOSOMAL DOMINANT; CONGENITAL MYOPATHY 6 WITH OPHTHALMOPLEGIA. Identifiers: Orphanet 363677, Orphanet 79091, MedGen C1854106, MONDO:0011577, OMIM 605637.

Allele frequency attached by ClinVar (database versions not stated): gnomAD 0.00001; TOPMed 0.00001; gnomAD exomes 0.00002; ExAC 0.00003; ESP Exome Variant Server 0.00008.
gnomAD v4.1: 36 of 1,614,126 alleles (0.0022%); highest among the groups gnomAD compares: Non-Finnish European, 0.0025%; no homozygotes.

Submissions (2):

Labcorp Genetics (formerly Invitae), Labcorp
Classification: Uncertain significance for Myopathy, proximal, and ophthalmoplegia. Last evaluated: 2024-04-09. Review status: criteria provided, single submitter. Criteria: Invitae Variant Classification Sherloc (09022015). Collection method: clinical testing. Allele origin: germline.
Comment: This sequence change replaces isoleucine, which is neutral and non-polar, with asparagine, which is neutral and polar, at codon 1765 of the MYH2 protein (p.Ile1765Asn). This variant is present in population databases (rs139621607, gnomAD 0.004%). This variant has not been reported in the literature in individuals affected with MYH2-related conditions. ClinVar contains an entry for this variant (Variation ID: 321662). Advanced modeling of protein sequence and biophysical properties (such as structural, functional, and spatial information, amino acid conservation, physicochemical variation, residue mobility, and thermodynamic stability) has been performed at Invitae for this missense variant, however the output from this modeling did not meet the statistical confidence thresholds required to predict the impact of this variant on MYH2 protein function. In summary, the available evidence is currently insufficient to determine the role of this variant in disease. Therefore, it has been classified as a Variant of Uncertain Significance.

Illumina Laboratory Services, Illumina
Classification: Uncertain significance for Myopathy, proximal, and ophthalmoplegia. Last evaluated: 2018-01-13. Review status: criteria provided, single submitter. Criteria: ICSL Variant Classification Criteria 13 December 2019. Collection method: clinical testing. Allele origin: germline.